The following is an entry in ClinVar:

NM_000121.4(EPOR):c.1317G>A (p.Trp439Ter)

Gene: EPOR (erythropoietin receptor; minus strand). Cytogenetic location: 19p13.2.
Variant type: single nucleotide variant.
Coding change: c.1317G>A on transcript NM_000121.4 (MANE Select); coding-DNA position 1317, G replaced by A.
Protein change: p.Trp439Ter; replaces tryptophan 439 with a stop codon.
Molecular consequence: nonsense. On other transcripts: non-coding transcript variant (1).
Genome position (GRCh38, 1-based): chr19:11,378,194, C>T on the plus strand (G>A on the coding strand, the complement: EPOR is on the minus strand). VCF-style: chr19-11378194-C-T. GRCh37 (hg19) VCF-style: chr19-11488870-C-T.
Other names: p.Trp439*; short protein forms W439*.
Identifiers: ClinVar variation 16595 (VCV000016595.6), dbSNP rs121918116, ClinGen allele CA126700.
Genomic context (GRCh38, chr19:11,378,194, plus strand): 5'-TACCACAAGGTACAGGTACTTTAGGTGGGGTGGGGTAGGGGGCAGCTCAGGGCACAGTGT[C>T]CATGGACGCAAGAGCTGGGAGCTGGGGTCCAGGATAGTGTACTCAAAGCTGGCAGCAGAG-3'

ClinVar aggregate classification (germline): Pathogenic. Review status: criteria provided, multiple submitters, no conflicts (2 of 4 stars). 5 submissions from 5 submitters: Pathogenic (3). 2 of the submissions do not count toward it. Last evaluated 2025-05-20.

Conditions:
EPOR-related disorder. Also called: EPOR-related condition.
Primary familial polycythemia due to EPO receptor mutation. Also called: Erythrocytosis, familial, 1; POLYCYTHEMIA, PRIMARY FAMILIAL AND CONGENITAL; Primary Familial Congenital Polycythemia; ERYTHROCYTOSIS, SOMATIC. Identifiers: Orphanet 90042, MedGen C4551637, MONDO:0007572, OMIM 133100.

Submissions (5):

Mayo Clinic Laboratories, Mayo Clinic
Classification: Pathogenic. Last evaluated: 2025-05-20. Review status: criteria provided, single submitter. Criteria: ACMG Guidelines, 2015. Collection method: clinical testing. Allele origin: germline. Observed: 1 variant allele.
Comment: PM2_supporting, PS2, PS3, PVS1_strong

GeneDx
Classification: Pathogenic. Last evaluated: 2025-03-26. Review status: criteria provided, single submitter. Criteria: GeneDx Variant Classification Process June 2021. Collection method: clinical testing. Allele origin: germline. Affected: yes.
Comment: Published functional studies demonstrate a damaging effect due to hypersensitive response to erythropoietin and impaired regulatory feedback (PMID: 17488692); Nonsense variant predicted to result in protein truncation, as the last 70 amino acid(s) are lost, and other loss-of-function variants have been reported downstream in HGMD; Not observed at significant frequency in large population cohorts (gnomAD); This variant is associated with the following publications: (PMID: 27831681, 17488692, 24115288, 36292571)

Blueprint Genetics
Classification: Pathogenic for EPOR-related disorders. Last evaluated: 2024-06-05. Review status: criteria provided, single submitter. Criteria: ACMG Guidelines, 2015. Collection method: clinical testing. Allele origin: germline. Affected: yes. Observed: 1 variant allele.

OMIM
Classification: Affects for ERYTHROCYTOSIS, FAMILIAL, 1. Last evaluated: 1998-02-01. Review status: no assertion criteria provided. Collection method: literature only. Allele origin: germline. Not counted in ClinVar's aggregate classification.

GeneReviews
No classification provided. Condition: Primary familial polycythemia due to EPO receptor mutation. Review status: no classification provided. Collection method: literature only. Allele origin: germline. Affected: yes. Not counted in ClinVar's aggregate classification.

Literature cited by the submitters: PubMed 17488692 (cited by Mayo Clinic Laboratories, Mayo Clinic and GeneReviews); PubMed 29790589 (cited by Mayo Clinic Laboratories, Mayo Clinic); PubMed 1954391 (cited by OMIM); de la Chapelle Personal Communication. 2005. Columbus, Ohio (cited by OMIM); PubMed 8093406 (cited by OMIM); PubMed 9488636 (cited by OMIM); NCBI Bookshelf NBK395975 (cited by GeneReviews).